The following is an entry in ClinVar:

ClinVar aggregate classification (germline): Uncertain significance (1 of 4 stars; one submission).

Submission:

GeneDx
Classification: Uncertain significance. Last evaluated: 2024-06-25. Review status: criteria provided, single submitter. Criteria: GeneDx Variant Classification Process June 2021. Collection method: clinical testing. Allele origin: germline. Affected: yes.
Comment: Not observed at significant frequency in large population cohorts (gnomAD); In silico analysis indicates that this missense variant does not alter protein structure/function; Has not been previously published as pathogenic or benign to our knowledge

NM_006035.4(CDC42BPB):c.2259G>T (p.Glu753Asp)

Gene: CDC42BPB (CDC42 binding protein kinase beta; minus strand). Cytogenetic location: 14q32.32.
Variant type: single nucleotide variant.
Coding change: c.2259G>T on transcript NM_006035.4 (MANE Select); coding-DNA position 2259, G replaced by T.
Protein change: p.Glu753Asp; replaces glutamic acid 753 with aspartic acid.
Molecular consequence: missense variant.
Genome position (GRCh38, 1-based): chr14:102,968,340, C>A on the plus strand (G>T on the coding strand, the complement: CDC42BPB is on the minus strand). VCF-style: chr14-102968340-C-A. GRCh37 (hg19) VCF-style: chr14-103434677-C-A.
Other names: c.2259G>T, p.Glu753Asp (NM_001411054.1); short protein forms E753D.
Identifiers: ClinVar variation 3392715 (VCV003392715.1).